The following is an entry in ClinVar:

NM_006514.4(SCN10A):c.1613T>C (p.Leu538Pro)

Gene: SCN10A (sodium voltage-gated channel alpha subunit 10; minus strand). Cytogenetic location: 3p22.2.
Variant type: single nucleotide variant.
Coding change: c.1613T>C on transcript NM_006514.4 (MANE Select); coding-DNA position 1613, T replaced by C.
Protein change: p.Leu538Pro; replaces leucine 538 with proline.
Molecular consequence: missense variant. On other transcripts: intron variant (1).
Genome position (GRCh38, 1-based): chr3:38,752,361, A>G on the plus strand (T>C on the coding strand, the complement: SCN10A is on the minus strand). VCF-style: chr3-38752361-A-G. GRCh37 (hg19) VCF-style: chr3-38793852-A-G.
Other names: c.1613T>C, p.Leu538Pro (NM_001293306.2); c.1462-2177T>C (NM_001293307.2); short protein forms L538P.
Identifiers: ClinVar variation 4864114 (VCV004864114.1).
Genomic context (GRCh38, chr3:38,752,361, plus strand): 5'-CTGGGTTGAGGAAGAGGGCTTCTAGGGAGGGGGCCTTGCTGGCCAGCACCCCCACCCAGC[A>G]GCAGAGAGCCCCGATGGCTTTCGTGGTCTCCAGGAAAGACTCCATCATCTGTGACTCCCT-3'
Protein context (NP_006505.4, residues 528-548): GDHESHRGSL[Leu538Pro]LGGGAGQQGP

ClinVar aggregate classification (germline): Uncertain significance (1 of 4 stars; one submission).

Conditions:
Cardiovascular phenotype. Identifiers: MedGen CN230736.

Submission:

Ambry Genetics
Classification: Uncertain significance for Cardiovascular phenotype. Last evaluated: 2026-06-01. Review status: criteria provided, single submitter. Criteria: Ambry Variant Classification Scheme 2023. Collection method: clinical testing. Allele origin: germline.
Comment: The p.L538P variant (also known as c.1613T>C), located in coding exon 11 of the SCN10A gene, results from a T to C substitution at nucleotide position 1613. The leucine at codon 538 is replaced by proline, an amino acid with similar properties. This amino acid position is conserved. In addition, the in silico prediction for this alteration is inconclusive. Based on the available evidence, the clinical significance of this variant remains unclear.